The following is an entry in ClinVar:

ClinVar aggregate classification (germline): Pathogenic/Likely pathogenic. Review status: criteria provided, multiple submitters, no conflicts (2 of 4 stars). 5 submissions from 5 submitters: Pathogenic (4); Likely pathogenic (1). Last evaluated 2026-01-06.

Conditions:
Cardiovascular phenotype. Identifiers: MedGen CN230736.
Arrhythmogenic right ventricular dysplasia 8 (ARVD8). Also called: Arrhythmogenic Right Ventricular Dysplasia/Cardiomyopathy 8; ARRHYTHMOGENIC RIGHT VENTRICULAR DYSPLASIA, FAMILIAL, 8; ARRHYTHMOGENIC RIGHT VENTRICULAR CARDIOMYOPATHY 8. Identifiers: MedGen C1843896, MONDO:0011831, OMIM 607450.
Arrhythmogenic cardiomyopathy with wooly hair and keratoderma. Also called: PALMOPLANTAR KERATODERMA WITH LEFT VENTRICULAR CARDIOMYOPATHY AND WOOLLY HAIR; Arrhythmogenic cardiomyopathy with woolly hair and keratoderma; Carvajal syndrome; Dilated cardiomyopathy with woolly hair and keratoderma. Identifiers: Orphanet 65282, MedGen C1854063, MONDO:0011581, OMIM 605676.
Cardiomyopathy (CMYO). Also called: Cardiomyopathies. Identifiers: Orphanet 167848, MedGen C0878544, MONDO:0004994, HP:0001638. Inheritance: Various modes of inheritance.

Submissions (5):

Labcorp Genetics (formerly Invitae), Labcorp
Classification: Pathogenic for Arrhythmogenic cardiomyopathy with wooly hair and keratoderma; Arrhythmogenic right ventricular dysplasia 8. Last evaluated: 2026-01-06. Review status: criteria provided, single submitter. Criteria: Invitae Variant Classification Sherloc (09022015). Collection method: clinical testing. Allele origin: germline.
Comment: This sequence change creates a premature translational stop signal (p.Lys1410Glufs*29) in the DSP gene. It is expected to result in an absent or disrupted protein product. Loss-of-function variants in DSP are known to be pathogenic (PMID: 20716751, 24503780, 25227139, 30398466). This variant is not present in population databases (gnomAD no frequency). This variant has not been reported in the literature in individuals affected with DSP-related conditions. ClinVar contains an entry for this variant (Variation ID: 2498996). For these reasons, this variant has been classified as Pathogenic.

Ambry Genetics
Classification: Pathogenic for Cardiovascular phenotype. Last evaluated: 2025-07-18. Review status: criteria provided, single submitter. Criteria: Ambry Variant Classification Scheme 2023. Collection method: clinical testing. Allele origin: germline.
Comment: The c.4228_4229delAA pathogenic mutation, located in coding exon 23 of the DSP gene, results from a deletion of two nucleotides at nucleotide positions 4228 to 4229, causing a translational frameshift with a predicted alternate stop codon (p.K1410Efs*29). This variant was reported in individual(s) with features consistent with dilated cardiomyopathy (Ambry internal data). This variant is considered to be rare based on population cohorts in the Genome Aggregation Database (gnomAD). This alteration is expected to result in loss of function by premature protein truncation or nonsense-mediated mRNA decay. As such, this alteration is interpreted as a disease-causing mutation.

CeGaT Center for Human Genetics Tuebingen
Classification: Pathogenic. Last evaluated: 2025-07-01. Review status: criteria provided, single submitter. Criteria: CeGaT Center For Human Genetics Tuebingen Variant Classification Criteria Version 2. Collection method: clinical testing. Allele origin: germline. Affected: yes. Observed: 9 variant alleles.
Comment: DSP: PVS1, PM2

Color Diagnostics, LLC DBA Color Health
Classification: Pathogenic for Cardiomyopathy. Last evaluated: 2024-01-09. Review status: criteria provided, single submitter. Criteria: ACMG Guidelines, 2015. Collection method: clinical testing. Allele origin: germline.
Comment: This variant deletes 2 nucleotides in exon 23 of the DSP gene, creating a frameshift and premature translation stop signal. This variant is expected to result in an absent or non-functional protein product. To our knowledge, this variant has not been reported in individuals affected with DSP-related disorders in the literature. This variant has not been identified in the general population by the Genome Aggregation Database (gnomAD). Loss of DSP function is a known mechanism of disease. Based on the available evidence, this variant is classified as Pathogenic.

All of Us Research Program, National Institutes of Health
Classification: Likely pathogenic for Arrhythmogenic cardiomyopathy with wooly hair and keratoderma. Last evaluated: 2023-11-13. Review status: criteria provided, single submitter. Criteria: ACMG Guidelines, 2015. Collection method: clinical testing. Allele origin: germline. Inheritance: Autosomal dominant inheritance. Observed: 1 variant allele, 1 heterozygote.
Comment: The c.4228_4229del (p.Lys1410Glufs*29) variant in the DSP gene results in a frameshift and creates a premature translation stop codon. This change is predicted to result in an absent or disrupted protein product. Loss-of-function variants in DSP are known to be pathogenic (PMID: 20716751, 24503780, 25227139). This variant is absent in the general population according to gnomAD. For these reasons, the c.4228_4229del (p.Lys1410Glufs*29) variant in the DSP gene has been classified as likely pathogenic.

This study involves interpretation of variants in research participants for the purpose of population health screening. Participant phenotype was not available at the time of variant classification. Additional details can be found in publication PMID: 35346344, PMCID: PMC8962531

Literature cited by the submitters: PubMed 20716751 (cited by Labcorp Genetics (formerly Invitae), Labcorp and All of Us Research Program, National Institutes of Health); PubMed 24503780 (cited by Labcorp Genetics (formerly Invitae), Labcorp and All of Us Research Program, National Institutes of Health); PubMed 25227139 (cited by Labcorp Genetics (formerly Invitae), Labcorp and All of Us Research Program, National Institutes of Health); PubMed 30398466 (cited by Labcorp Genetics (formerly Invitae), Labcorp).

NM_004415.4(DSP):c.4228_4229del (p.Lys1410fs)

Gene: DSP (desmoplakin; plus strand). Cytogenetic location: 6p24.3.
Variant type: Deletion.
Coding change: c.4228_4229del on transcript NM_004415.4 (MANE Select); coding-DNA positions 4228 to 4229, 2 bases deleted (AA; older notation c.4228_4229delAA).
Protein change: p.Lys1410fs; shifts the reading frame from lysine 1410.
Molecular consequence: frameshift variant. On other transcripts: intron variant (2).
Genome position (GRCh38, 1-based): chr6:7,580,418-7,580,419, AA deleted; deleting any 2 consecutive bases within chr6:7,580,417-7,580,419 gives the same sequence; the c. name uses the placement nearest the transcript's 3' end. VCF-style (leftmost placement, unchanged base first): chr6-7580416-TAA-T. GRCh37 (hg19) VCF-style: chr6-7580649-TAA-T.
Other names: c.4050+178_4050+179del (NM_001319034.2); c.3582+646_3582+647del (NM_001008844.3); short protein forms K1410fs.
Identifiers: ClinVar variation 2498996 (VCV002498996.32), dbSNP rs2533927884, ClinGen allele CA2580075419.
Genomic context (GRCh38, chr6:7,580,416, plus strand): 5'-GTGGCTACCGGGCTCAGATAGACAATCTCACCCGAGAAAACAGGAGCTTATCTGAAGAAA[TAA>T]AGAGGCTGAAGAACACTCTAACCCAGACCACAGAGAATCTCAGGAGGGTGGAAGAAGACA-3'